The following is an entry in ClinVar:

ClinVar aggregate classification (germline): Pathogenic. Review status: criteria provided, multiple submitters, no conflicts (2 of 4 stars). 5 submissions from 4 submitters: Pathogenic (5). Last evaluated 2025-03-11.

Conditions:
Hereditary cancer-predisposing syndrome. Also called: Neoplastic Syndromes, Hereditary; Tumor predisposition; Hereditary Cancer Syndrome; Hereditary neoplastic syndrome. Identifiers: Orphanet 140162, MedGen C0027672, MeSH D009386, MONDO:0015356.
Periventricular nodular heterotopia (PVNH). Identifiers: Orphanet 98892, MedGen C1868720, MeSH D054091, MONDO:0020341, HP:0032388.
Inherited breast cancer and ovarian cancer.
Hereditary breast ovarian cancer syndrome. Also called: Hereditary breast and ovarian cancer; Hereditary breast and ovarian cancer syndrome (HBOC); BRCA1- and BRCA2-Associated Hereditary Breast and Ovarian Cancer; Breast and ovarian cancer; Hereditary breast and/or ovarian cancer syndrome; Hereditary breast and ovarian cancer syndrome. Identifiers: Orphanet 145, MedGen C0677776, MeSH D061325, MONDO:0003582. Disease mechanism: loss of function.

Submissions (5):

Labcorp Genetics (formerly Invitae), Labcorp
Classification: Pathogenic for Hereditary breast ovarian cancer syndrome. Last evaluated: 2025-03-11. Review status: criteria provided, single submitter. Criteria: Invitae Variant Classification Sherloc (09022015). Collection method: clinical testing. Allele origin: germline.
Comment: This sequence change creates a premature translational stop signal (p.Leu269*) in the BRCA1 gene. It is expected to result in an absent or disrupted protein product. Loss-of-function variants in BRCA1 are known to be pathogenic (PMID: 20104584). This variant is not present in population databases (gnomAD no frequency). This premature translational stop signal has been observed in individual(s) with ovarian cancer (PMID: 36367610). ClinVar contains an entry for this variant (Variation ID: 1761872). For these reasons, this variant has been classified as Pathogenic.

Genomics and Molecular Medicine Service, East Genomic Laboratory Hub, NHS Genomic Medicine Service
Classification: Pathogenic for Inherited breast cancer and ovarian cancer. Last evaluated: 2024-06-04. Review status: criteria provided, single submitter. Criteria: ACGS Best Practice Guidelines for Variant Classification in Rare Disease 2020. Collection method: clinical testing. Allele origin: germline. Affected: yes.
Comment: PVS1,PM2

Women's Health and Genetics/Laboratory Corporation of America, LabCorp
Classification: Pathogenic for Periventricular nodular heterotopia. Last evaluated: 2024-03-19. Review status: criteria provided, single submitter. Criteria: LabCorp Variant Classification Summary - May 2015. Collection method: clinical testing. Allele origin: germline.

Women's Health and Genetics/Laboratory Corporation of America, LabCorp
Classification: Pathogenic for Hereditary breast ovarian cancer syndrome. Last evaluated: 2024-03-19. Review status: criteria provided, single submitter. Criteria: LabCorp Variant Classification Summary - May 2015. Collection method: clinical testing. Allele origin: germline.
Comment: Variant summary: BRCA1 c.806T>A (p.Leu269X) results in a premature termination codon, predicted to cause absence of the protein due to nonsense mediated decay, which is a commonly known mechanism for disease. The variant was absent in 250002 control chromosomes. c.806T>A has been reported in the literature in at-least one individual affected with Hereditary Breast And Ovarian Cancer Syndrome (example, Momozawa_2022). These data do not allow any conclusion about variant significance. To our knowledge, no experimental evidence demonstrating an impact on protein function has been reported. The following publication has been ascertained in the context of this evaluation (PMID: 35420638). ClinVar contains an entry for this variant (Variation ID: 1761872). Based on the evidence outlined above, the variant was classified as pathogenic.

Ambry Genetics
Classification: Pathogenic for Hereditary cancer-predisposing syndrome. Last evaluated: 2019-12-18. Review status: criteria provided, single submitter. Criteria: Ambry Variant Classification Scheme 2023. Collection method: clinical testing. Allele origin: germline.
Comment: The p.L269* pathogenic mutation (also known as c.806T>A), located in coding exon 9 of the BRCA1 gene, results from a T to A substitution at nucleotide position 806. This changes the amino acid from a leucine to a stop codon within coding exon 9. This alteration is expected to result in loss of function by premature protein truncation or nonsense-mediated mRNA decay. As such, this alteration is interpreted as a disease-causing mutation.

Literature cited by the submitters: PubMed 20104584 (cited by Labcorp Genetics (formerly Invitae), Labcorp); PubMed 36367610 (cited by Labcorp Genetics (formerly Invitae), Labcorp); PubMed 35420638 (cited by Women's Health and Genetics/Laboratory Corporation of America, LabCorp).

NM_007294.4(BRCA1):c.806T>A (p.Leu269Ter)

Gene: BRCA1 (BRCA1 DNA repair associated; minus strand). Cytogenetic location: 17q21.31.
Variant type: single nucleotide variant.
Coding change: c.806T>A on transcript NM_007294.4 (MANE Select); coding-DNA position 806, T replaced by A.
Protein change: p.Leu269Ter; replaces leucine 269 with a stop codon.
Molecular consequence: nonsense. On other transcripts: intron variant (137), 5 prime UTR variant (2).
Genome position (GRCh38, 1-based): chr17:43,094,725, A>T on the plus strand (T>A on the coding strand, the complement: BRCA1 is on the minus strand). VCF-style: chr17-43094725-A-T. GRCh37 (hg19) VCF-style: chr17-41246742-A-T.
Other names: c.803T>A, p.Leu268Ter (NM_001407611.1, NM_001407615.1, NM_001407612.1 and 22 more transcripts); c.806T>A, p.Leu269Ter (NM_001407616.1, NM_001407581.1, NM_001407582.1 and 30 more transcripts); c.523+19T>A (NM_001408498.1, NM_001408501.1, NM_001408500.1 and 3 more transcripts); c.646+19T>A (NM_001408467.1, NM_001408459.1, NM_001408455.1 and 11 more transcripts); c.583+19T>A (NM_001408475.1); c.709+19T>A (NM_001408412.1, NM_001408409.1, NM_001408414.1 and 2 more transcripts); c.451+19T>A (NM_001408509.1, NM_001408508.1); c.574+19T>A (NM_001408491.1, NM_001408493.1, NM_001408490.1); and 40 more; short protein forms L227*, L243*, L101*, L199*, L266*, L269*, L141*, L142*.
Identifiers: ClinVar variation 1761872 (VCV001761872.7), dbSNP rs2154492047, ClinGen allele CA10600471.